The following is an entry in ClinVar:

ClinVar aggregate classification (germline): Uncertain significance (1 of 4 stars; one submission).

Conditions:
Familial sleep-related hypermotor epilepsy. Also called: Autosomal Dominant Sleep-Related Hypermotor (Hyperkinetic) Epilepsy. Identifiers: Orphanet 98784, MedGen C3696898, MONDO:0000030.

Allele frequency attached by ClinVar (database versions not stated): gnomAD 0.00001; TOPMed 0.00001.

Submission:

Labcorp Genetics (formerly Invitae), Labcorp
Classification: Uncertain significance. Last evaluated: 2022-03-23. Review status: criteria provided, single submitter. Criteria: Invitae Variant Classification Sherloc (09022015). Collection method: clinical testing. Allele origin: germline.
Comment: This variant has not been reported in the literature in individuals affected with CHRNA4-related conditions. In summary, the available evidence is currently insufficient to determine the role of this variant in disease. Therefore, it has been classified as a Variant of Uncertain Significance. Algorithms developed to predict the effect of missense changes on protein structure and function are either unavailable or do not agree on the potential impact of this missense change (SIFT: "Deleterious"; PolyPhen-2: "Possibly Damaging"; Align-GVGD: "Class C0"). ClinVar contains an entry for this variant (Variation ID: 945625). This variant is present in population databases (no rsID available, gnomAD 0.01%). This sequence change replaces lysine, which is basic and polar, with asparagine, which is neutral and polar, at codon 359 of the CHRNA4 protein (p.Lys359Asn).

NM_000744.7(CHRNA4):c.1077G>C (p.Lys359Asn)

Gene: CHRNA4 (cholinergic receptor nicotinic alpha 4 subunit; minus strand). Cytogenetic location: 20q13.33.
Variant type: single nucleotide variant.
Coding change: c.1077G>C on transcript NM_000744.7 (MANE Select); coding-DNA position 1077, G replaced by C.
Protein change: p.Lys359Asn; replaces lysine 359 with asparagine.
Molecular consequence: missense variant. On other transcripts: non-coding transcript variant (1).
Genome position (GRCh38, 1-based): chr20:63,350,334, C>G on the plus strand (G>C on the coding strand, the complement: CHRNA4 is on the minus strand). VCF-style: chr20-63350334-C-G. GRCh37 (hg19) VCF-style: chr20-61981686-C-G.
Other names: c.549G>C, p.Lys183Asn (NM_001256573.2); short protein forms K183N, K359N.
Identifiers: ClinVar variation 945625 (VCV000945625.7), dbSNP rs1292158071, ClinGen allele CA409635271.